The following is an entry in ClinVar:

ClinVar aggregate classification (germline): Conflicting classifications of pathogenicity. Review status: criteria provided, conflicting classifications (1 of 4 stars). 2 submissions from 2 submitters: Uncertain significance (1); Likely benign (1). Last evaluated 2025-09-15.

Conditions:
Cardiovascular phenotype. Identifiers: MedGen CN230736.
Dilated cardiomyopathy 1JJ (CMD1JJ). Identifiers: Orphanet 154, MedGen C3808935, MONDO:0014095, OMIM 615235.

Allele frequency attached by ClinVar (database versions not stated): gnomAD 0.00001; TOPMed 0.00005.
gnomAD v4.1: 4 of 1,613,682 alleles (0.00025%); highest among the groups gnomAD compares: Admixed American, 0.0017%; no homozygotes.

Submissions (2):

Ambry Genetics
Classification: Likely benign for Cardiovascular phenotype. Last evaluated: 2025-09-15. Review status: criteria provided, single submitter. Criteria: Ambry Variant Classification Scheme 2023. Collection method: clinical testing. Allele origin: germline.

Labcorp Genetics (formerly Invitae), Labcorp
Classification: Uncertain significance for Dilated cardiomyopathy 1JJ. Last evaluated: 2024-04-08. Review status: criteria provided, single submitter. Criteria: Invitae Variant Classification Sherloc (09022015). Collection method: clinical testing. Allele origin: germline.
Comment: This sequence change replaces valine, which is neutral and non-polar, with leucine, which is neutral and non-polar, at codon 378 of the LAMA4 protein (p.Val378Leu). This variant is not present in population databases (gnomAD no frequency). This variant has not been reported in the literature in individuals affected with LAMA4-related conditions. An algorithm developed to predict the effect of missense changes on protein structure and function (PolyPhen-2) suggests that this variant is likely to be tolerated. In summary, the available evidence is currently insufficient to determine the role of this variant in disease. Therefore, it has been classified as a Variant of Uncertain Significance.

NM_001105206.3(LAMA4):c.1153G>C (p.Val385Leu)

Gene: LAMA4 (laminin subunit alpha 4; minus strand). Cytogenetic location: 6q21.
Variant type: single nucleotide variant.
Coding change: c.1153G>C on transcript NM_001105206.3 (MANE Select); coding-DNA position 1153, G replaced by C.
Protein change: p.Val385Leu; replaces valine 385 with leucine.
Molecular consequence: missense variant.
Genome position (GRCh38, 1-based): chr6:112,178,157, C>G on the plus strand (G>C on the coding strand, the complement: LAMA4 is on the minus strand). VCF-style: chr6-112178157-C-G. GRCh37 (hg19) VCF-style: chr6-112499359-C-G.
Other names: c.1132G>C, p.Val378Leu (NM_001105207.3, NM_002290.5); short protein forms V378L, V385L.
Identifiers: ClinVar variation 2783704 (VCV002783704.5), dbSNP rs1415971328, ClinGen allele CA365372954.